The following is an entry in ClinVar:

NM_001267550.2(TTN):c.12780G>A (p.Ala4260=)

Gene: TTN (titin; minus strand). Cytogenetic location: 2q31.2.
Variant type: single nucleotide variant.
Coding change: c.12780G>A on transcript NM_001267550.2 (MANE Select); coding-DNA position 12780, G replaced by A.
Protein change: p.Ala4260=; no amino-acid change (alanine 4260 retained).
Molecular consequence: synonymous variant. On other transcripts: intron variant (1).
Genome position (GRCh38, 1-based): chr2:178,740,453, C>T on the plus strand (G>A on the coding strand, the complement: TTN is on the minus strand). VCF-style: chr2-178740453-C-T. GRCh37 (hg19) VCF-style: chr2-179605180-C-T.
Other names: p.A4022A:GCG>GCA; p.Ala3943=; c.11829G>A, p.Ala3943= (NM_001256850.1); c.11691G>A, p.Ala3897= (NM_003319.4); c.12066G>A, p.Ala4022= (NM_133432.3); c.12267G>A, p.Ala4089= (NM_133437.4); c.10361-2093G>A (NM_133378.4).
Identifiers: ClinVar variation 47830 (VCV000047830.35), dbSNP rs746578, ClinGen allele CA284546.

ClinVar aggregate classification (germline): Benign. Review status: criteria provided, multiple submitters, no conflicts (2 of 4 stars). 18 submissions from 15 submitters: Benign (14). 4 of the submissions do not count toward it. Last evaluated 2026-02-04.

Conditions:
Cardiovascular phenotype. Identifiers: MedGen CN230736.
Dilated cardiomyopathy 1G (CMD1G). Identifiers: Orphanet 154, MedGen C1858763, MONDO:0011400, OMIM 604145.
Autosomal recessive limb-girdle muscular dystrophy type 2J (LGMDR10). Also called: Limb-girdle muscular dystrophy, type 2J; MUSCULAR DYSTROPHY, LIMB-GIRDLE, AUTOSOMAL RECESSIVE 10. Identifiers: Orphanet 140922, MedGen C1837342, MONDO:0012127, OMIM 608807.
Early-onset myopathy with fatal cardiomyopathy (CMYO5). Also called: CONGENITAL MYOPATHY 5 WITH CARDIOMYOPATHY; Salih Myopathy. Identifiers: Orphanet 289377, MedGen C2673677, MONDO:0012714, OMIM 611705. Disease mechanism: loss of function.
Tibial muscular dystrophy (TMD). Also called: Tibial muscular dystrophy, tardive; Udd Distal Myopathy – Tibial Muscular Dystrophy; UDD MYOPATHY. Identifiers: Orphanet 609, MedGen C1838244, MONDO:0010870, OMIM 600334.
Myopathy, myofibrillar, 9, with early respiratory failure (MFM9). Also called: Myopathy, distal, with early respiratory failure, autosomal dominant; EDSTROM MYOPATHY; MYOPATHY, PROXIMAL, WITH EARLY RESPIRATORY MUSCLE INVOLVEMENT; Hereditary myopathy with early respiratory failure. Identifiers: Orphanet 178464, Orphanet 34521, MedGen C1863599, MONDO:0011362, OMIM 603689.
Hypertrophic cardiomyopathy 9. Also called: Familial hypertrophic cardiomyopathy 9. Identifiers: MedGen C1861065, MONDO:0013412, OMIM 613765.
Cardiomyopathy (CMYO). Also called: Cardiomyopathies. Identifiers: Orphanet 167848, MedGen C0878544, MONDO:0004994, HP:0001638. Inheritance: Various modes of inheritance.

Allele frequency attached by ClinVar (database versions not stated): ESP Exome Variant Server 0.13527; 1000 Genomes Project 30x 0.23501; 1000 Genomes Project 0.23882.
gnomAD v4.1: 234,422 of 1,613,234 alleles (15%); highest among the groups gnomAD compares: East Asian, 47%; 20,284 homozygotes.

Submissions (18):

Labcorp Genetics (formerly Invitae), Labcorp
Classification: Benign for Dilated cardiomyopathy 1G; Autosomal recessive limb-girdle muscular dystrophy type 2J. Last evaluated: 2026-02-04. Review status: criteria provided, single submitter. Criteria: Invitae Variant Classification Sherloc (09022015). Collection method: clinical testing. Allele origin: germline.

Fulgent Genetics
Classification: Benign for Tibial muscular dystrophy; Myopathy, myofibrillar, 9, with early respiratory failure; Dilated cardiomyopathy 1G; Autosomal recessive limb-girdle muscular dystrophy type 2J; Early-onset myopathy with fatal cardiomyopathy; Hypertrophic cardiomyopathy 9. Last evaluated: 2022-02-17. Review status: criteria provided, single submitter. Criteria: ACMG Guidelines, 2015. Collection method: clinical testing. Allele origin: unknown.

Genome-Nilou Lab
Classification: Benign for Autosomal recessive limb-girdle muscular dystrophy type 2J. Last evaluated: 2021-09-10. Review status: criteria provided, single submitter. Criteria: ACMG Guidelines, 2015. Collection method: clinical testing. Allele origin: germline. Affected: no.

Genome-Nilou Lab
Classification: Benign for Myopathy, myofibrillar, 9, with early respiratory failure. Last evaluated: 2021-09-10. Review status: criteria provided, single submitter. Criteria: ACMG Guidelines, 2015. Collection method: clinical testing. Allele origin: germline. Affected: no.

Genome-Nilou Lab
Classification: Benign for Early-onset myopathy with fatal cardiomyopathy. Last evaluated: 2021-09-10. Review status: criteria provided, single submitter. Criteria: ACMG Guidelines, 2015. Collection method: clinical testing. Allele origin: germline. Affected: no.

Genome-Nilou Lab
Classification: Benign for Tibial muscular dystrophy. Last evaluated: 2021-09-10. Review status: criteria provided, single submitter. Criteria: ACMG Guidelines, 2015. Collection method: clinical testing. Allele origin: germline. Affected: no.

CHEO Genetics Diagnostic Laboratory, Children's Hospital of Eastern Ontario
Classification: Benign for Cardiomyopathy. Last evaluated: 2019-03-18. Review status: criteria provided, single submitter. Criteria: ACMG Guidelines, 2015. Collection method: clinical testing. Allele origin: germline.

Athena Diagnostics
Classification: Benign. Last evaluated: 2018-09-21. Review status: criteria provided, single submitter. Criteria: Athena Diagnostics Criteria. Collection method: clinical testing. Allele origin: germline.

Mayo Clinic Laboratories, Mayo Clinic
Classification: Benign. Last evaluated: 2015-07-01. Review status: criteria provided, single submitter. Criteria: ACMG Guidelines, 2015. Collection method: clinical testing. Allele origin: germline. Observed: 455 variant alleles.

Ambry Genetics
Classification: Benign for Cardiovascular phenotype. Last evaluated: 2015-05-15. Review status: criteria provided, single submitter. Criteria: Ambry Variant Classification Scheme 2023. Collection method: clinical testing. Allele origin: germline.

GeneDx
Classification: Benign. Last evaluated: 2012-10-31. Review status: criteria provided, single submitter. Criteria: GeneDx Variant Classification (06012015). Collection method: clinical testing. Allele origin: germline. Affected: yes.
Comment: This variant is considered likely benign or benign based on one or more of the following criteria: it is a conservative change, it occurs at a poorly conserved position in the protein, it is predicted to be benign by multiple in silico algorithms, and/or has population frequency not consistent with disease.

Laboratory for Molecular Medicine, Mass General Brigham Personalized Medicine
Classification: Benign. Last evaluated: 2012-05-01. Review status: criteria provided, single submitter. Criteria: LMM Criteria. Collection method: clinical testing. Allele origin: germline. Observed: 507 variant alleles.
Comment: Ala4022Ala in exon 45B of TTN: This variant is not expected to have clinical sig nificance because it does not alter an amino acid residue and is not located wit hin the splice consensus sequence. It has been identified in 14.6% (470/3210) of African American chromosomes from a broad population by the NHLBI Exome Sequenc ing Project (rs746578).

Breakthrough Genomics
Classification: Benign. Review status: criteria provided, single submitter. Criteria: ACMG Guidelines, 2015. Collection method: not provided. Allele origin: germline. Inheritance: Autosomal recessive inheritance. Affected: yes.

PreventionGenetics, part of Exact Sciences
Classification: Benign. Review status: criteria provided, single submitter. Criteria: ACMG Guidelines, 2015. Collection method: clinical testing. Allele origin: germline.

Clinical Genetics DNA and cytogenetics Diagnostics Lab, Erasmus MC, Erasmus Medical Center
Classification: Benign. Review status: no assertion criteria provided. Collection method: clinical testing. Allele origin: germline. Affected: yes. Study: VKGL Data-share Consensus. Not counted in ClinVar's aggregate classification.

Clinical Genetics, Academic Medical Center
Classification: Benign. Review status: no assertion criteria provided. Collection method: clinical testing. Allele origin: germline. Affected: yes. Study: VKGL Data-share Consensus. Not counted in ClinVar's aggregate classification.

Diagnostic Laboratory, Department of Genetics, University Medical Center Groningen
Classification: Benign. Review status: no assertion criteria provided. Collection method: clinical testing. Allele origin: germline. Affected: yes. Study: VKGL Data-share Consensus. Not counted in ClinVar's aggregate classification.

Joint Genome Diagnostic Labs from Nijmegen and Maastricht, Radboudumc and MUMC+
Classification: Benign. Review status: no assertion criteria provided. Collection method: clinical testing. Allele origin: germline. Affected: yes. Study: VKGL Data-share Consensus. Not counted in ClinVar's aggregate classification.